The following is an entry in ClinVar:

NM_198252.3(GSN):c.513+1G>A

Gene: GSN (gelsolin; plus strand). Cytogenetic location: 9q33.2.
Variant type: single nucleotide variant.
Coding change: c.513+1G>A on transcript NM_198252.3 (MANE Select); the canonical splice donor site of the intron after coding-DNA position 513, G replaced by A.
Molecular consequence: splice donor variant.
Genome position (GRCh38, 1-based): chr9:121,310,846, G>A. VCF-style: chr9-121310846-G-A. GRCh37 (hg19) VCF-style: chr9-124073124-G-A.
Other names: c.513+1G>A (NM_001353054.1, NM_001353053.1, NM_001353060.2 and 10 more transcripts); c.546+1G>A (NM_001353064.2, NM_001353066.2, NM_001353073.2 and 13 more transcripts); c.-142+1G>A (NM_001353078.2); c.564+1G>A (NM_001258029.2); c.537+1G>A (NM_001258030.2); c.666+1G>A (NM_000177.5); c.585+1G>A (NM_001353076.2); c.621+1G>A (NM_001127663.2).
Identifiers: ClinVar variation 1365756 (VCV001365756.8), dbSNP rs138677601, ClinGen allele CA5220904.
Genomic context (GRCh38, chr9:121,310,846, plus strand): 5'-GTACCTGTGTCCTGGGAGAGCTTCAACAATGGCGACTGCTTCATCCTGGACCTGGGCAAC[G>A]TGAGTCCTGCTTTCCTCTTTCCCAGGAGCCACTGAGGTGCTCCTGGTCTGATCAGGGACT-3'

ClinVar aggregate classification (germline): Uncertain significance. Review status: criteria provided, multiple submitters, no conflicts (2 of 4 stars). 2 submissions from 2 submitters: Uncertain significance (2). Last evaluated 2025-10-09.

Conditions:
Finnish type amyloidosis. Also called: AMYLOID CRANIAL NEUROPATHY WITH LATTICE CORNEAL DYSTROPHY; AMYLOIDOSIS DUE TO MUTANT GELSOLIN; Amyloidosis, familial, Finnish type; Meretoja type amyloidosis; Amyloidosis 5; Lattice corneal dystrophy associated with familial systemic amyloidosis. Identifiers: Orphanet 85448, MedGen C1622345, MONDO:0007097, OMIM 105120.

Allele frequency attached by ClinVar (database versions not stated): TOPMed 0.00002; gnomAD exomes 0.00003 and 0.00006; gnomAD 0.00004 and 0.00005; ExAC 0.00007.
gnomAD v4.1: 59 of 1,613,746 alleles (0.0037%); highest among the groups gnomAD compares: East Asian, 0.033%; no homozygotes.

Submissions (3):

Labcorp Genetics (formerly Invitae), Labcorp
Classification: Uncertain significance. Last evaluated: 2025-10-09. Review status: criteria provided, single submitter. Criteria: Invitae Variant Classification Sherloc (09022015). Collection method: clinical testing. Allele origin: germline.
Comment: This sequence change affects a donor splice site in intron 4 of the GSN gene. It is expected to disrupt RNA splicing. Variants that disrupt the donor or acceptor splice site typically lead to a loss of protein function (PMID: 16199547), however the current clinical and genetic evidence is not sufficient to establish whether loss-of-function variants in GSN cause disease. This variant is present in population databases (rs138677601, gnomAD 0.02%). This variant has not been reported in the literature in individuals affected with GSN-related conditions. ClinVar contains an entry for this variant (Variation ID: 1365756). Algorithms developed to predict the effect of sequence changes on RNA splicing suggest that this variant may disrupt the consensus splice site. In summary, the available evidence is currently insufficient to determine the role of this variant in disease. Therefore, it has been classified as a Variant of Uncertain Significance.

Fulgent Genetics
Classification: Uncertain significance for Finnish type amyloidosis. Last evaluated: 2022-02-01. Review status: criteria provided, single submitter. Criteria: ACMG Guidelines, 2015. Collection method: clinical testing. Allele origin: unknown.

Dr. Peter K. Rogan Lab, Western University
No classification provided (evidence only). Condition: Colorectal cancer. Review status: no classification provided. Collection method: in vitro. Allele origin: not applicable. Functional consequence: skipped exon, retained intron. Not counted in ClinVar's aggregate classification.

Literature cited by the submitters: PubMed 16199547 (cited by Labcorp Genetics (formerly Invitae), Labcorp).